The following is an entry in ClinVar:

ClinVar aggregate classification (germline): Uncertain significance. Review status: criteria provided, multiple submitters, no conflicts (2 of 4 stars). 2 submissions from 2 submitters: Uncertain significance (2). Last evaluated 2026-05-21.

Conditions:
Inborn genetic diseases. Identifiers: MedGen C0950123, MeSH D030342.

Allele frequency attached by ClinVar (database versions not stated): gnomAD 0.00001; ExAC 0.00002; TOPMed 0.00002.
gnomAD v4.1: 4 of 1,610,308 alleles (0.00025%); highest among the groups gnomAD compares: Admixed American, 0.0067%; no homozygotes.

Submissions (2):

Women's Health and Genetics/Laboratory Corporation of America, LabCorp
Classification: Uncertain significance. Last evaluated: 2026-05-21. Review status: criteria provided, single submitter. Criteria: LabCorp Variant Classification Summary - May 2015. Collection method: clinical testing. Allele origin: germline.
Comment: Variant summary: NPC1 c.1727A>G (p.Lys576Arg) results in a conservative amino acid change in the encoded protein sequence. Algorithms developed to predict the effect of missense changes on protein structure and function are either unavailable or do not agree on the potential impact of this missense change. The variant allele was found at a frequency of 1.2e-05 in 251368 control chromosomes. The available data on variant occurrences in the general population are insufficient to allow any conclusion about variant significance. c.1727A>G has been observed in individuals affected with Niemann-Pick Disease Type C (Fernandez-Valero_2005, Godeiro-Junior_2006). These data do not allow any conclusion about variant significance. To our knowledge, no experimental evidence demonstrating an impact on protein function has been reported. The following publications have been ascertained in the context of this evaluation (PMID: 16098014, 17044092, 25131710). ClinVar contains an entry for this variant (Variation ID: 2277219). Based on the evidence outlined above, the variant was classified as uncertain significance.

Ambry Genetics
Classification: Uncertain significance for Inborn genetic diseases. Last evaluated: 2022-03-31. Review status: criteria provided, single submitter. Criteria: Ambry Variant Classification Scheme 2023. Collection method: clinical testing. Allele origin: germline.

Literature cited by the submitters: PubMed 16098014 (cited by Women's Health and Genetics/Laboratory Corporation of America, LabCorp and Ambry Genetics); PubMed 25131710 (cited by Women's Health and Genetics/Laboratory Corporation of America, LabCorp); PubMed 17044092 (cited by Women's Health and Genetics/Laboratory Corporation of America, LabCorp and Ambry Genetics).

NM_000271.5(NPC1):c.1727A>G (p.Lys576Arg)

Gene: NPC1 (NPC intracellular cholesterol transporter 1; minus strand). Cytogenetic location: 18q11.2.
Variant type: single nucleotide variant.
Coding change: c.1727A>G on transcript NM_000271.5 (MANE Select); coding-DNA position 1727, A replaced by G.
Protein change: p.Lys576Arg; replaces lysine 576 with arginine.
Molecular consequence: missense variant.
Genome position (GRCh38, 1-based): chr18:23,548,036, T>C on the plus strand (A>G on the coding strand, the complement: NPC1 is on the minus strand). VCF-style: chr18-23548036-T-C. GRCh37 (hg19) VCF-style: chr18-21128000-T-C.
Other names: short protein forms K576R.
Identifiers: ClinVar variation 2277219 (VCV002277219.3), dbSNP rs761660695, ClinGen allele CA8913387.